The following is an entry in ClinVar:

NM_017780.4(CHD7):c.5521G>C (p.Asp1841His)

Gene: CHD7 (chromodomain helicase DNA binding protein 7; plus strand). Cytogenetic location: 8q12.2.
Variant type: single nucleotide variant.
Coding change: c.5521G>C on transcript NM_017780.4 (MANE Select); coding-DNA position 5521, G replaced by C.
Protein change: p.Asp1841His; replaces aspartic acid 1841 with histidine.
Molecular consequence: missense variant. On other transcripts: intron variant (1).
Genome position (GRCh38, 1-based): chr8:60,850,609, G>C. VCF-style: chr8-60850609-G-C. GRCh37 (hg19) VCF-style: chr8-61763168-G-C.
Other names: c.1717-11620G>C (NM_001316690.1); short protein forms D1841H.
Identifiers: ClinVar variation 2502500 (VCV002502500.2), dbSNP rs1174618255, ClinGen allele CA371321796.

ClinVar aggregate classification (germline): Uncertain significance. Review status: criteria provided, multiple submitters, no conflicts (2 of 4 stars). 2 submissions from 2 submitters: Uncertain significance (2). Last evaluated 2025-05-26.

Conditions:
CHARGE syndrome (CHARGE). Also called: Hittner Hirsch Kreh syndrome; CHARGE ASSOCIATION--COLOBOMA, HEART ANOMALY, CHOANAL ATRESIA, RETARDATION, GENITAL AND EAR ANOMALIES; Coloboma, heart anomaly, choanal atresia, retardation, genital and ear anomalies; CHARGE association; Hall-Hittner syndrome. Identifiers: Orphanet 138, MedGen C0265354, MONDO:0008965.

Allele frequency attached by ClinVar (database versions not stated): TOPMed below 0.00001; gnomAD 0.00001.
gnomAD v4.1: 3 of 1,612,222 alleles (0.00019%); highest among the groups gnomAD compares: Non-Finnish European, 0.00025%; no homozygotes.

Submissions (2):

Labcorp Genetics (formerly Invitae), Labcorp
Classification: Uncertain significance for CHARGE syndrome. Last evaluated: 2025-05-26. Review status: criteria provided, single submitter. Criteria: Invitae Variant Classification Sherloc (09022015). Collection method: clinical testing. Allele origin: germline.
Comment: This sequence change replaces aspartic acid, which is acidic and polar, with histidine, which is basic and polar, at codon 1841 of the CHD7 protein (p.Asp1841His). This variant is not present in population databases (gnomAD no frequency). This variant has not been reported in the literature in individuals affected with CHD7-related conditions. ClinVar contains an entry for this variant (Variation ID: 2502500). Invitae Evidence Modeling of protein sequence and biophysical properties (such as structural, functional, and spatial information, amino acid conservation, physicochemical variation, residue mobility, and thermodynamic stability) has been performed for this missense variant. However, the output from this modeling did not meet the statistical confidence thresholds required to predict the impact of this variant on CHD7 protein function. In summary, the available evidence is currently insufficient to determine the role of this variant in disease. Therefore, it has been classified as a Variant of Uncertain Significance.

GeneDx
Classification: Uncertain significance. Last evaluated: 2022-11-21. Review status: criteria provided, single submitter. Criteria: GeneDx Variant Classification Process June 2021. Collection method: clinical testing. Allele origin: germline. Affected: yes.
Comment: Not observed at significant frequency in large population cohorts (gnomAD); In silico analysis supports that this missense variant has a deleterious effect on protein structure/function; Has not been previously published as pathogenic or benign to our knowledge